The following is an entry in ClinVar:

ClinVar aggregate classification (germline): Uncertain significance (1 of 4 stars; one submission).

Conditions:
Mucolipidosis type IV (ML4). Also called: ML IV. Identifiers: Orphanet 578, MedGen C0238286, MONDO:0009653, OMIM 252650.

Allele frequency attached by ClinVar (database versions not stated): gnomAD 0.00001; TOPMed 0.00001.
gnomAD v4.1: 5 of 1,614,102 alleles (0.00031%); highest among the groups gnomAD compares: Admixed American, 0.0017%; no homozygotes.

Submission:

Labcorp Genetics (formerly Invitae), Labcorp
Classification: Uncertain significance for Mucolipidosis type IV. Last evaluated: 2021-09-24. Review status: criteria provided, single submitter. Criteria: Invitae Variant Classification Sherloc (09022015). Collection method: clinical testing. Allele origin: germline.
Comment: This sequence change replaces arginine with glutamine at codon 94 of the MCOLN1 protein (p.Arg94Gln). The arginine residue is moderately conserved and there is a small physicochemical difference between arginine and glutamine. This variant is not present in population databases (ExAC no frequency). This variant has not been reported in the literature in individuals with MCOLN1-related conditions. Algorithms developed to predict the effect of missense changes on protein structure and function (SIFT, PolyPhen-2, Align-GVGD) all suggest that this variant is likely to be tolerated, but these predictions have not been confirmed by published functional studies and their clinical significance is uncertain. Algorithms developed to predict the effect of sequence changes on RNA splicing suggest that this variant may create or strengthen a splice site, but this prediction has not been confirmed by published transcriptional studies. In summary, the available evidence is currently insufficient to determine the role of this variant in disease. Therefore, it has been classified as a Variant of Uncertain Significance.

NM_020533.3(MCOLN1):c.281G>A (p.Arg94Gln)

Gene: MCOLN1 (mucolipin TRP cation channel 1; plus strand). Cytogenetic location: 19p13.2.
Variant type: single nucleotide variant.
Coding change: c.281G>A on transcript NM_020533.3 (MANE Select); coding-DNA position 281, G replaced by A.
Protein change: p.Arg94Gln; replaces arginine 94 with glutamine.
Molecular consequence: missense variant.
Genome position (GRCh38, 1-based): chr19:7,526,482, G>A. VCF-style: chr19-7526482-G-A. GRCh37 (hg19) VCF-style: chr19-7591368-G-A.
Other names: short protein forms R94Q.
Identifiers: ClinVar variation 1352197 (VCV001352197.5), dbSNP rs1158583058, ClinGen allele CA403080738.